The following is an entry in ClinVar:

ClinVar aggregate classification (germline): Uncertain significance (1 of 4 stars; one submission).

Conditions:
Long QT syndrome (LQTS). Identifiers: MedGen C0023976, MeSH D008133, MONDO:0002442. Disease mechanism: loss of function. Inheritance: Various modes of inheritance.

Allele frequency attached by ClinVar (database versions not stated): TOPMed below 0.00001; ESP Exome Variant Server 0.00008.

Submission:

Labcorp Genetics (formerly Invitae), Labcorp
Classification: Uncertain significance for Long QT syndrome. Last evaluated: 2025-02-27. Review status: criteria provided, single submitter. Criteria: Invitae Variant Classification Sherloc (09022015). Collection method: clinical testing. Allele origin: germline.
Comment: This sequence change replaces methionine, which is neutral and non-polar, with threonine, which is neutral and polar, at codon 2 of the CAV3 protein (p.Met2Thr). This variant is not present in population databases (gnomAD no frequency). This variant has not been reported in the literature in individuals affected with CAV3-related conditions. ClinVar contains an entry for this variant (Variation ID: 862356). An algorithm developed to predict the effect of missense changes on protein structure and function (PolyPhen-2) suggests that this variant is likely to be tolerated. In summary, the available evidence is currently insufficient to determine the role of this variant in disease. Therefore, it has been classified as a Variant of Uncertain Significance.

NM_033337.3(CAV3):c.5T>C (p.Met2Thr)

Gene: CAV3 (caveolin 3; plus strand). Cytogenetic location: 3p25.3.
Variant type: single nucleotide variant.
Coding change: c.5T>C on transcript NM_033337.3 (MANE Select); coding-DNA position 5, T replaced by C.
Protein change: p.Met2Thr; replaces methionine 2 with threonine.
Molecular consequence: missense variant.
Genome position (GRCh38, 1-based): chr3:8,733,881, T>C. VCF-style: chr3-8733881-T-C. GRCh37 (hg19) VCF-style: chr3-8775567-T-C.
Other names: c.5T>C, p.Met2Thr (NM_001234.5); short protein forms M2T.
Identifiers: ClinVar variation 862356 (VCV000862356.6), dbSNP rs375301072, ClinGen allele CA69861834.
Genomic context (GRCh38, chr3:8,733,881, plus strand): 5'-AGCCCCAGCCGGCCACACAGCTCGGATCTCCTCCTGTGGATCCCCCCAGCTCTGCGATGA[T>C]GGCAGAAGAGCACACAGATCTCGAGGCCCAGATCGTCAAGGATATCCACTGCAAGGAGAT-3'
Protein context (NP_203123.1, residues 1-12): M[Met2Thr]AEEHTDLEAQ